The following is an entry in ClinVar:

NM_152703.5(SAMD9L):c.1907C>T (p.Pro636Leu)

Gene: SAMD9L (sterile alpha motif domain containing 9 like; minus strand). Cytogenetic location: 7q21.2.
Variant type: single nucleotide variant.
Coding change: c.1907C>T on transcript NM_152703.5 (MANE Select); coding-DNA position 1907, C replaced by T.
Protein change: p.Pro636Leu; replaces proline 636 with leucine.
Molecular consequence: missense variant.
Genome position (GRCh38, 1-based): chr7:93,134,065, G>A on the plus strand (C>T on the coding strand, the complement: SAMD9L is on the minus strand). VCF-style: chr7-93134065-G-A. GRCh37 (hg19) VCF-style: chr7-92763378-G-A.
Other names: c.1907C>T, p.Pro636Leu (NM_001303496.3, NM_001303497.3, NM_001303498.3 and 5 more transcripts); short protein forms P636L.
Identifiers: ClinVar variation 4863935 (VCV004863935.1).

ClinVar aggregate classification (germline): Uncertain significance (1 of 4 stars; one submission).

Conditions:
Inborn genetic diseases. Identifiers: MedGen C0950123, MeSH D030342.

Submission:

Ambry Genetics
Classification: Uncertain significance for Inborn genetic diseases. Last evaluated: 2026-04-11. Review status: criteria provided, single submitter. Criteria: Ambry Variant Classification Scheme 2023. Collection method: clinical testing. Allele origin: germline.
Comment: The p.P636L variant (also known as c.1907C>T), located in coding exon 1 of the SAMD9L gene, results from a C to T substitution at nucleotide position 1907. The proline at codon 636 is replaced by leucine, an amino acid with similar properties. This amino acid position is conserved. In addition, the in silico prediction for this alteration is inconclusive. Based on the available evidence, the clinical significance of this variant remains unclear.